The following is an entry in ClinVar:

ClinVar aggregate classification (germline): Uncertain significance (1 of 4 stars; one submission).

Conditions:
Inborn genetic diseases. Identifiers: MedGen C0950123, MeSH D030342.

Allele frequency attached by ClinVar (database versions not stated): TOPMed below 0.00001.
gnomAD v4.1: 2 of 1,609,610 alleles (0.00012%); highest among the groups gnomAD compares: African/African-American, 0.0013%; no homozygotes.

Submission:

Ambry Genetics
Classification: Uncertain significance for Inborn genetic diseases. Last evaluated: 2019-09-29. Review status: criteria provided, single submitter. Criteria: Ambry Variant Classification Scheme 2023. Collection method: clinical testing. Allele origin: germline.
Comment: The p.P845L variant (also known as c.2534C>T), located in coding exon 8 of the SETX gene, results from a C to T substitution at nucleotide position 2534. The proline at codon 845 is replaced by leucine, an amino acid with similar properties. This amino acid position is not well conserved in available vertebrate species. In addition, this alteration is predicted to be tolerated by in silico analysis. Since supporting evidence is limited at this time, the clinical significance of this alteration remains unclear.

NM_015046.7(SETX):c.2534C>T (p.Pro845Leu)

Gene: SETX (senataxin; minus strand). Cytogenetic location: 9q34.13.
Variant type: single nucleotide variant.
Coding change: c.2534C>T on transcript NM_015046.7 (MANE Select); coding-DNA position 2534, C replaced by T.
Protein change: p.Pro845Leu; replaces proline 845 with leucine.
Molecular consequence: missense variant.
Genome position (GRCh38, 1-based): chr9:132,329,064, G>A on the plus strand (C>T on the coding strand, the complement: SETX is on the minus strand). VCF-style: chr9-132329064-G-A. GRCh37 (hg19) VCF-style: chr9-135204451-G-A.
Other names: c.2534C>T, p.Pro845Leu (NM_001351527.2, NM_001351528.2); short protein forms P845L.
Identifiers: ClinVar variation 1792737 (VCV001792737.2), dbSNP rs748607857, ClinGen allele CA375335538.